The following is an entry in ClinVar:

NM_153717.3(EVC):c.2009T>A (p.Leu670His)

Gene: EVC (EvC ciliary complex subunit 1; plus strand). Cytogenetic location: 4p16.2.
Variant type: single nucleotide variant.
Coding change: c.2009T>A on transcript NM_153717.3 (MANE Select); coding-DNA position 2009, T replaced by A.
Protein change: p.Leu670His; replaces leucine 670 with histidine.
Molecular consequence: missense variant.
Genome position (GRCh38, 1-based): chr4:5,797,144, T>A. VCF-style: chr4-5797144-T-A. GRCh37 (hg19) VCF-style: chr4-5798871-T-A.
Other names: c.2009T>A, p.Leu670His (NM_001306090.2); short protein forms L670H.
Identifiers: ClinVar variation 1942806 (VCV001942806.5), dbSNP rs1404936868, ClinGen allele CA356143919.

ClinVar aggregate classification (germline): Uncertain significance. Review status: criteria provided, multiple submitters, no conflicts (2 of 4 stars). 2 submissions from 2 submitters: Uncertain significance (2). Last evaluated 2025-10-08.

Conditions:
Ellis-van Creveld syndrome (EVC). Also called: EVC-Related Ellis-van Creveld Syndrome; EVC2-Related Ellis-van Creveld Syndrome; Chondroectodermal dysplasia; MESOECTODERMAL DYSPLASIA. Identifiers: Orphanet 289, MedGen C0013903, MONDO:0009162, OMIM 225500.
Curry-Hall syndrome (WAD). Also called: WEYERS ACRODENTAL DYSOSTOSIS. Identifiers: Orphanet 952, MedGen C0457013, MONDO:0008673, OMIM 193530.

Allele frequency attached by ClinVar (database versions not stated): gnomAD exomes below 0.00001; gnomAD 0.00001; TOPMed 0.00001.
gnomAD v4.1: 5 of 1,613,514 alleles (0.00031%); highest among the groups gnomAD compares: Non-Finnish European, 0.00034%; no homozygotes.

Submissions (2):

Women's Health and Genetics/Laboratory Corporation of America, LabCorp
Classification: Uncertain significance. Last evaluated: 2025-10-08. Review status: criteria provided, single submitter. Criteria: LabCorp Variant Classification Summary - May 2015. Collection method: clinical testing. Allele origin: germline.
Comment: Variant summary: EVC c.2009T>A (p.Leu670His) results in a non-conservative amino acid change in the encoded protein sequence. Algorithms developed to predict the effect of missense changes on protein structure and function are either unavailable or do not agree on the potential impact of this missense change. The variant was absent in 250132 control chromosomes. The available data on variant occurrences in the general population are insufficient to allow any conclusion about variant significance. To our knowledge, no occurrence of c.2009T>A in individuals affected with EVC-related conditions and no experimental evidence demonstrating its impact on protein function have been reported. ClinVar contains an entry for this variant (Variation ID: 1942806). Based on the evidence outlined above, the variant was classified as uncertain significance.

Labcorp Genetics (formerly Invitae), Labcorp
Classification: Uncertain significance for Curry-Hall syndrome; Ellis-van Creveld syndrome. Last evaluated: 2022-04-04. Review status: criteria provided, single submitter. Criteria: Invitae Variant Classification Sherloc (09022015). Collection method: clinical testing. Allele origin: germline.
Comment: This sequence change replaces leucine, which is neutral and non-polar, with histidine, which is basic and polar, at codon 670 of the EVC protein (p.Leu670His). This variant is not present in population databases (gnomAD no frequency). This variant has not been reported in the literature in individuals affected with EVC-related conditions. Algorithms developed to predict the effect of missense changes on protein structure and function are either unavailable or do not agree on the potential impact of this missense change (SIFT: "Deleterious"; PolyPhen-2: "Possibly Damaging"; Align-GVGD: "Class C0"). In summary, the available evidence is currently insufficient to determine the role of this variant in disease. Therefore, it has been classified as a Variant of Uncertain Significance.